The following is an entry in ClinVar:

NM_001267550.2(TTN):c.70172T>C (p.Ile23391Thr)

Genes: TTN (titin; minus strand), TTN-AS1 (TTN antisense RNA 1; plus strand), LOC126806422 (BRD4-independent group 4 enhancer GRCh37_chr2:179440205-179441404; plus strand). Cytogenetic location: 2q31.2.
Variant type: single nucleotide variant.
Coding change: c.70172T>C on transcript NM_001267550.2 (MANE Select); coding-DNA position 70172, T replaced by C.
Protein change: p.Ile23391Thr; replaces isoleucine 23391 with threonine.
Molecular consequence: missense variant.
Genome position (GRCh38, 1-based): chr2:178,575,960, A>G on the plus strand (T>C on the coding strand, the complement: TTN is on the minus strand). VCF-style: chr2-178575960-A-G. GRCh37 (hg19) VCF-style: chr2-179440687-A-G.
Other names: c.62468T>C, p.Ile20823Thr (NM_133378.4); c.65249T>C, p.Ile21750Thr (NM_001256850.1); c.42977T>C, p.Ile14326Thr (NM_003319.4); c.43352T>C, p.Ile14451Thr (NM_133432.3); c.43553T>C, p.Ile14518Thr (NM_133437.4); short protein forms I20823T, I23391T, I14326T, I14451T, I14518T, I21750T.
Identifiers: ClinVar variation 191906 (VCV000191906.19), dbSNP rs375202101, ClinGen allele CA237836.

ClinVar aggregate classification (germline): Conflicting classifications of pathogenicity. Review status: criteria provided, conflicting classifications (1 of 4 stars). 8 submissions from 8 submitters: Uncertain significance (7); Likely benign (1). Last evaluated 2025-09-22.

Conditions:
TTN-related disorder. Also called: TTN-related condition; TTN-related disease; TTN-related disorders.
Dilated cardiomyopathy 1G (CMD1G). Identifiers: Orphanet 154, MedGen C1858763, MONDO:0011400, OMIM 604145.
Autosomal recessive limb-girdle muscular dystrophy type 2J (LGMDR10). Also called: Limb-girdle muscular dystrophy, type 2J; MUSCULAR DYSTROPHY, LIMB-GIRDLE, AUTOSOMAL RECESSIVE 10. Identifiers: Orphanet 140922, MedGen C1837342, MONDO:0012127, OMIM 608807.

Allele frequency attached by ClinVar (database versions not stated): ExAC 0.00001; gnomAD exomes 0.00002; TOPMed 0.00005; gnomAD 0.00006 and 0.00007; ESP Exome Variant Server 0.00008.
gnomAD v4.1: 37 of 1,611,394 alleles (0.0023%); highest among the groups gnomAD compares: African/African-American, 0.012%; no homozygotes.

Submissions (8):

Women's Health and Genetics/Laboratory Corporation of America, LabCorp
Classification: Uncertain significance. Last evaluated: 2025-09-22. Review status: criteria provided, single submitter. Criteria: LabCorp Variant Classification Summary - May 2015. Collection method: clinical testing. Allele origin: germline.
Comment: Variant summary: TTN c.62468T>C (p.Ile20823Thr) results in a non-conservative amino acid change in the encoded protein sequence. Algorithms developed to predict the effect of missense changes on protein structure and function are either unavailable or do not agree on the potential impact of this missense change. The variant allele was found at a frequency of 2e-05 in 248636 control chromosomes. The available data on variant occurrences in the general population are insufficient to allow any conclusion about variant significance. To our knowledge, no occurrence of c.62468T>C in individuals affected with TTN-related conditions and no experimental evidence demonstrating its impact on protein function have been reported. ClinVar contains an entry for this variant (Variation ID: 191906). Based on the evidence outlined above, the variant was classified as uncertain significance.

PreventionGenetics, part of Exact Sciences
Classification: Uncertain significance for TTN-related condition. Last evaluated: 2025-08-04. Review status: criteria provided, single submitter. Criteria: ACMG Guidelines, 2015. Collection method: clinical testing. Allele origin: germline.
Comment: The TTN c.70172T>C variant is predicted to result in the amino acid substitution p.Ile23391Thr. To our knowledge, this variant has not been reported in individuals with TTN-associated phenotypes in the literature. This variant is reported in 0.0083% of alleles in individuals of African descent in gnomAD. At this time, the clinical significance of this variant is uncertain due to the absence of conclusive functional and genetic evidence.

Revvity Omics, Revvity
Classification: Uncertain significance. Last evaluated: 2022-09-15. Review status: criteria provided, single submitter. Criteria: ACMG Guidelines, 2015. Collection method: clinical testing. Allele origin: germline.

GeneDx
Classification: Likely benign. Last evaluated: 2019-12-06. Review status: criteria provided, single submitter. Criteria: GeneDx Variant Classification Process June 2021. Collection method: clinical testing. Allele origin: germline. Affected: yes.
Comment: Has not been previously published as pathogenic or benign to our knowledge

Eurofins Ntd Llc (ga)
Classification: Uncertain significance. Last evaluated: 2017-09-14. Review status: criteria provided, single submitter. Criteria: EGL Classification Definitions 2015. Collection method: clinical testing. Allele origin: germline. Observed: 1 variant allele, 1 heterozygote.

Labcorp Genetics (formerly Invitae), Labcorp
Classification: Uncertain significance for Dilated cardiomyopathy 1G; Autosomal recessive limb-girdle muscular dystrophy type 2J. Last evaluated: 2016-07-10. Review status: criteria provided, single submitter. Criteria: Invitae Variant Classification Sherloc (09022015). Collection method: clinical testing. Allele origin: germline.

Laboratory for Molecular Medicine, Mass General Brigham Personalized Medicine
Classification: Uncertain significance. Last evaluated: 2015-05-28. Review status: criteria provided, single submitter. Criteria: LMM Criteria. Collection method: clinical testing. Allele origin: germline. Observed: 1 variant allele.
Comment: The p.Ile20823Thr variant in TTN has not been previously reported in individuals with cardiomyopathy, but has been indentified in 1/11572 Latino chromosomes by the Exome Aggregation Consortium (ExAC; dbSNP rs 375202101). Computational prediction tools and conservation analysis do not prov ide strong support for or against an impact to the protein. In summary, the clin ical significance of the p.Ile20823Thr variant is uncertain.

Biesecker Lab/Clinical Genomics Section, National Institutes of Health
Classification: Uncertain significance. Last evaluated: 2013-06-24. Review status: criteria provided, single submitter. Criteria: Ng et al. (Circ Cardiovasc Genet. 2013). Collection method: research. Allele origin: unknown. Observed: 1 variant allele. Study: ClinSeq.
Comment: The study set was not selected for affection status in relation to any cancer. Pathogenicity categories were based on literature curation. See Pubmed ID:23861362 for details.

Medical sequencing